The following is an entry in ClinVar:

NM_001040142.2(SCN2A):c.5737C>T (p.Gln1913Ter)

Gene: SCN2A (sodium voltage-gated channel alpha subunit 2; plus strand). Cytogenetic location: 2q24.3.
Variant type: single nucleotide variant.
Coding change: c.5737C>T on transcript NM_001040142.2 (MANE Select); coding-DNA position 5737, C replaced by T.
Protein change: p.Gln1913Ter; replaces glutamine 1913 with a stop codon.
Molecular consequence: nonsense.
Genome position (GRCh38, 1-based): chr2:165,389,543, C>T. VCF-style: chr2-165389543-C-T. GRCh37 (hg19) VCF-style: chr2-166246053-C-T.
Other names: c.5737C>T, p.Gln1913Ter (NM_001040143.2, NM_001371246.1, NM_001371247.1 and 1 more transcripts); short protein forms Q1913*.
Identifiers: ClinVar variation 589964 (VCV000589964.5), dbSNP rs1553463850, ClinGen allele CA349040053.

ClinVar aggregate classification (germline): Likely pathogenic (1 of 4 stars; one submission).

Conditions:
Inborn genetic diseases. Identifiers: MedGen C0950123, MeSH D030342.

Submission:

Ambry Genetics
Classification: Likely pathogenic for Inborn genetic diseases. Last evaluated: 2016-11-21. Review status: criteria provided, single submitter. Criteria: Ambry Variant Classification Scheme 2023. Collection method: clinical testing. Allele origin: germline.
Comment: The p.Q1913* variant (also known as c.5737C>T), located in coding exon 26 of the SCN2A gene, results from a C to T substitution at nucleotide position 5737. This changes the amino acid from a glutamine to a stop codon within coding exon 26. This variant was not reported in population based cohorts in the following databases: Database of Single Nucleotide Polymorphisms (dbSNP), NHLBI Exome Sequencing Project (ESP), and 1000 Genomes Project. In the ESP, this variant was not observed in 6503 samples (13006 alleles) with coverage at this position. This alteration is expected to result in loss of function by premature protein truncation. As such, this variant is likely to be pathogenic.

Literature cited by the submitters: PubMed 21439835.